The following is an entry in ClinVar:

NM_002049.4(GATA1):c.1024G>A (p.Gly342Ser)

Gene: GATA1 (GATA binding protein 1; plus strand). Cytogenetic location: Xp11.23.
Variant type: single nucleotide variant.
Coding change: c.1024G>A on transcript NM_002049.4 (MANE Select); coding-DNA position 1024, G replaced by A.
Protein change: p.Gly342Ser; replaces glycine 342 with serine.
Molecular consequence: missense variant.
Genome position (GRCh38, 1-based): chrX:48,793,946, G>A. VCF-style: chrX-48793946-G-A. GRCh37 (hg19) VCF-style: chrX-48652353-G-A.
Other names: short protein forms G342S.
Identifiers: ClinVar variation 849725 (VCV000849725.8), dbSNP rs1340713003, ClinGen allele CA412871783.

ClinVar aggregate classification (germline): Uncertain significance (1 of 4 stars; one submission).

Conditions:
Diamond-Blackfan anemia. Also called: Blackfan Diamond syndrome; Aregenerative anemia chronic congenital; Red cell aplasia, pure hereditary; Congenital hypoplastic anemia; Aase syndrome. Identifiers: Orphanet 124, MedGen C1260899, MeSH D029503, MONDO:0015253, HP:0004810.
GATA binding protein 1 related thrombocytopenia with dyserythropoiesis. Also called: GATA1-Related Cytopenia; GATA1-Related X-Linked Cytopenia. Identifiers: MedGen C1845837, MONDO:0100089.

Allele frequency attached by ClinVar (database versions not stated): gnomAD exomes 0.00001 and 0.00002; gnomAD 0.00003; TOPMed 0.00003.
gnomAD v4.1: 30 of 1,202,252 alleles (0.0025%); highest among the groups gnomAD compares: Non-Finnish European, 0.0029%; no homozygotes.

Submission:

Labcorp Genetics (formerly Invitae), Labcorp
Classification: Uncertain significance for GATA binding protein 1 related thrombocytopenia with dyserythropoiesis; Diamond-Blackfan anemia. Last evaluated: 2025-05-22. Review status: criteria provided, single submitter. Criteria: Invitae Variant Classification Sherloc (09022015). Collection method: clinical testing. Allele origin: germline.
Comment: This sequence change replaces glycine, which is neutral and non-polar, with serine, which is neutral and polar, at codon 342 of the GATA1 protein (p.Gly342Ser). The frequency data for this variant in the population databases is considered unreliable, as metrics indicate poor data quality at this position in the gnomAD database. This variant has not been reported in the literature in individuals affected with GATA1-related conditions. ClinVar contains an entry for this variant (Variation ID: 849725). Invitae Evidence Modeling of protein sequence and biophysical properties (such as structural, functional, and spatial information, amino acid conservation, physicochemical variation, residue mobility, and thermodynamic stability) indicates that this missense variant is not expected to disrupt GATA1 protein function with a negative predictive value of 95%. In summary, the available evidence is currently insufficient to determine the role of this variant in disease. Therefore, it has been classified as a Variant of Uncertain Significance.